The following is an entry in ClinVar:

ClinVar aggregate classification (germline): Benign/Likely benign. Review status: criteria provided, multiple submitters, no conflicts (2 of 4 stars). 5 submissions from 5 submitters: Benign (4); Likely benign (1). Last evaluated 2026-02-04.

Conditions:
Fraser syndrome 2 (FRASRS2). Identifiers: MedGen C4540036, MONDO:0054738, OMIM 617666.

Allele frequency attached by ClinVar (database versions not stated): 1000 Genomes Project 0.01218; 1000 Genomes Project 30x 0.01359; TOPMed 0.02084; gnomAD 0.02497 and 0.02517; gnomAD exomes 0.02598 and 0.03375; ExAC 0.02631; ESP Exome Variant Server 0.02822.
gnomAD v4.1: 52,954 of 1,614,000 alleles (3.3%); highest among the groups gnomAD compares: Non-Finnish European, 3.8%; 1,004 homozygotes.

Submissions (5):

Labcorp Genetics (formerly Invitae), Labcorp
Classification: Benign. Last evaluated: 2026-02-04. Review status: criteria provided, single submitter. Criteria: Invitae Variant Classification Sherloc (09022015). Collection method: clinical testing. Allele origin: germline.

Blueprint Genetics
Classification: Likely benign. Last evaluated: 2024-11-27. Review status: criteria provided, single submitter. Criteria: ACMG Guidelines, 2015. Collection method: clinical testing. Allele origin: germline.

Mayo Clinic Laboratories, Mayo Clinic
Classification: Benign. Last evaluated: 2023-04-04. Review status: criteria provided, single submitter. Criteria: ACMG Guidelines, 2015. Collection method: clinical testing. Allele origin: germline. Observed: 3 variant alleles.
Comment: BS1, BS2, BP4, BP7

Illumina Laboratory Services, Illumina
Classification: Benign for Fraser syndrome 2. Last evaluated: 2018-01-12. Review status: criteria provided, single submitter. Criteria: ICSL Variant Classification Criteria 13 December 2019. Collection method: clinical testing. Allele origin: germline.
Comment: This variant was observed in the ICSL laboratory as part of a predisposition screen in an ostensibly healthy population. It had not been previously curated by ICSL or reported in the Human Gene Mutation Database (HGMD: prior to June 1st, 2018), and was therefore a candidate for classification through an automated scoring system. Utilizing variant allele frequency, disease prevalence and penetrance estimates, and inheritance mode, an automated score was calculated to assess if this variant is too frequent to cause the disease. Based on the score and internal cut-off values, a variant classified as benign is not then subjected to further curation. The score for this variant resulted in a classification of benign for this disease.

Breakthrough Genomics
Classification: Benign. Review status: criteria provided, single submitter. Criteria: ACMG Guidelines, 2015. Collection method: not provided. Allele origin: germline. Inheritance: Autosomal recessive inheritance. Affected: yes.

NM_207361.6(FREM2):c.1941C>T (p.Asp647=)

Gene: FREM2 (FRAS1 related extracellular matrix 2; plus strand). Cytogenetic location: 13q13.3.
Variant type: single nucleotide variant.
Coding change: c.1941C>T on transcript NM_207361.6 (MANE Select); coding-DNA position 1941, C replaced by T.
Protein change: p.Asp647=; no amino-acid change (aspartic acid 647 retained).
Molecular consequence: synonymous variant.
Genome position (GRCh38, 1-based): chr13:38,689,285, C>T. VCF-style: chr13-38689285-C-T. GRCh37 (hg19) VCF-style: chr13-39263422-C-T.
Other names: p.Asp647=.
Identifiers: ClinVar variation 311952 (VCV000311952.15), dbSNP rs41292751, ClinGen allele CA6954509.